The following is an entry in ClinVar:

ClinVar aggregate classification (germline): Uncertain significance (1 of 4 stars; one submission).

Allele frequency attached by ClinVar (database versions not stated): gnomAD exomes below 0.00001.
gnomAD v4.1: 1 of 1,551,916 alleles (0.000064%); highest among the groups gnomAD compares: African/African-American, 0.0014%; no homozygotes.

Submission:

Labcorp Genetics (formerly Invitae), Labcorp
Classification: Uncertain significance. Last evaluated: 2022-08-09. Review status: criteria provided, single submitter. Criteria: Invitae Variant Classification Sherloc (09022015). Collection method: clinical testing. Allele origin: germline.
Comment: In summary, the available evidence is currently insufficient to determine the role of this variant in disease. Therefore, it has been classified as a Variant of Uncertain Significance. This variant has not been reported in the literature in individuals affected with KPNA7-related conditions. This variant is not present in population databases (gnomAD no frequency). This sequence change creates a premature translational stop signal (p.Trp347*) in the KPNA7 gene. It is expected to result in an absent or disrupted protein product. However, the current clinical and genetic evidence is not sufficient to establish whether loss-of-function variants in KPNA7 cause disease.

NM_001145715.3(KPNA7):c.1040G>A (p.Trp347Ter)

Gene: KPNA7 (karyopherin subunit alpha 7; minus strand). Cytogenetic location: 7q22.1.
Variant type: single nucleotide variant.
Coding change: c.1040G>A on transcript NM_001145715.3 (MANE Select); coding-DNA position 1040, G replaced by A.
Protein change: p.Trp347Ter; replaces tryptophan 347 with a stop codon.
Molecular consequence: nonsense.
Genome position (GRCh38, 1-based): chr7:99,185,023, C>T on the plus strand (G>A on the coding strand, the complement: KPNA7 is on the minus strand). VCF-style: chr7-99185023-C-T. GRCh37 (hg19) VCF-style: chr7-98782646-C-T.
Other names: short protein forms W347*.
Identifiers: ClinVar variation 2161634 (VCV002161634.3), dbSNP rs2535425979, ClinGen allele CA368419258.